The following is an entry in ClinVar:

ClinVar aggregate classification (germline): Benign. Review status: reviewed by expert panel (3 of 4 stars). 2 submissions from 2 submitters: Benign (1). 1 of the submissions does not count toward it. Last evaluated 2015-01-12.

Conditions:
Breast-ovarian cancer, familial, susceptibility to, 1 (BROVCA1). Also called: BRCA1 Hereditary Breast and Ovarian Cancer; OVARIAN CANCER, SUSCEPTIBILITY TO. Identifiers: Orphanet 145, MedGen C2676676, MONDO:0011450, OMIM 604370. Disease mechanism: loss of function.

Allele frequency attached by ClinVar (database versions not stated): gnomAD 0.00428 and 0.00463; TOPMed 0.00513; 1000 Genomes Project 0.00539; 1000 Genomes Project 30x 0.00625.

Submissions (2):

Evidence-based Network for the Interpretation of Germline Mutant Alleles (ENIGMA)
Classification: Benign for Breast-ovarian cancer, familial 1. Last evaluated: 2015-01-12. Review status: reviewed by expert panel. Criteria: ENIGMA BRCA1/2 Classification Criteria (2015). Collection method: curation. Allele origin: germline.
Comment: Class 1 not pathogenic based on frequency >1% in an outbred sampleset. Frequency 0.01423 (African), derived from 1000 genomes (2012-04-30).

GeneDx
Classification: Likely benign. Last evaluated: 2018-06-23. Review status: criteria provided, single submitter. Criteria: GeneDx Variant Classification Process June 2021. Collection method: clinical testing. Allele origin: germline. Affected: yes. Not counted in ClinVar's aggregate classification.

NM_007294.4(BRCA1):c.80+202C>T

Gene: BRCA1 (BRCA1 DNA repair associated; minus strand). Cytogenetic location: 17q21.31.
Variant type: single nucleotide variant.
Coding change: c.80+202C>T on transcript NM_007294.4 (MANE Select); 202 bases into the intron after coding-DNA position 80, C replaced by T.
Molecular consequence: intron variant.
Genome position (GRCh38, 1-based): chr17:43,123,815, G>A on the plus strand (C>T on the coding strand, the complement: BRCA1 is on the minus strand). VCF-style: chr17-43123815-G-A. GRCh37 (hg19) VCF-style: chr17-41275832-G-A.
Other names: IVS 2+202C>T; c.-61-8036C>T (NM_001408458.1); c.-219+1462C>T (NM_001407967.1); c.-170+1462C>T (NM_001407959.1); c.-8+1462C>T (NM_001407931.1, NM_001407747.1); c.-224+1462C>T (NM_001407962.1, NM_001408512.1, NM_001408510.1); c.-109+1462C>T (NM_001407885.1); c.-62+1462C>T (NM_001408470.1, NM_001407848.1, NM_001407839.1 and 6 more transcripts); and 24 more.
Identifiers: ClinVar variation 209573 (VCV000209573.5), dbSNP rs8176079, ClinGen allele CA276542.